The following is an entry in ClinVar:

NM_198578.4(LRRK2):c.6499A>T (p.Ile2167Phe)

Gene: LRRK2 (leucine rich repeat kinase 2; plus strand). Cytogenetic location: 12q12.
Variant type: single nucleotide variant.
Coding change: c.6499A>T on transcript NM_198578.4 (MANE Select); coding-DNA position 6499, A replaced by T.
Protein change: p.Ile2167Phe; replaces isoleucine 2167 with phenylalanine.
Molecular consequence: missense variant.
Genome position (GRCh38, 1-based): chr12:40,351,656, A>T. VCF-style: chr12-40351656-A-T. GRCh37 (hg19) VCF-style: chr12-40745458-A-T.
Other names: short protein forms I2167F.
Identifiers: ClinVar variation 1753856 (VCV001753856.4), dbSNP rs1946357607, ClinGen allele CA384407067.

ClinVar aggregate classification (germline): Uncertain significance. Review status: criteria provided, multiple submitters, no conflicts (2 of 4 stars). 2 submissions from 2 submitters: Uncertain significance (2). Last evaluated 2025-08-29.

Conditions:
Autosomal dominant Parkinson disease 8. Also called: LRRK2-Related Parkinson Disease; Parkinson disease 8; Parkinson disease 8, susceptibility to. Identifiers: Orphanet 411602, MedGen C1846862, MONDO:0011764, OMIM 607060.
Inborn genetic diseases. Identifiers: MedGen C0950123, MeSH D030342.

Submissions (2):

Labcorp Genetics (formerly Invitae), Labcorp
Classification: Uncertain significance for Autosomal dominant Parkinson disease 8. Last evaluated: 2025-08-29. Review status: criteria provided, single submitter. Criteria: Invitae Variant Classification Sherloc (09022015). Collection method: clinical testing. Allele origin: germline.
Comment: This sequence change replaces isoleucine, which is neutral and non-polar, with phenylalanine, which is neutral and non-polar, at codon 2167 of the LRRK2 protein (p.Ile2167Phe). This variant is not present in population databases (gnomAD no frequency). This variant has not been reported in the literature in individuals affected with LRRK2-related conditions. ClinVar contains an entry for this variant (Variation ID: 1753856). Invitae Evidence Modeling of protein sequence and biophysical properties (such as structural, functional, and spatial information, amino acid conservation, physicochemical variation, residue mobility, and thermodynamic stability) has been performed for this missense variant. However, the output from this modeling did not meet the statistical confidence thresholds required to predict the impact of this variant on LRRK2 protein function. In summary, the available evidence is currently insufficient to determine the role of this variant in disease. Therefore, it has been classified as a Variant of Uncertain Significance.

Ambry Genetics
Classification: Uncertain significance for Inborn genetic diseases. Last evaluated: 2024-09-15. Review status: criteria provided, single submitter. Criteria: Ambry Variant Classification Scheme 2023. Collection method: clinical testing. Allele origin: germline.
Comment: The p.I2167F variant (also known as c.6499A>T), located in coding exon 44 of the LRRK2 gene, results from an A to T substitution at nucleotide position 6499. The isoleucine at codon 2167 is replaced by phenylalanine, an amino acid with highly similar properties. This amino acid position is conserved. In addition, this alteration is predicted to be tolerated by in silico analysis. Since supporting evidence is limited at this time, the clinical significance of this alteration remains unclear.